The following is an entry in ClinVar:

NM_001370466.1(NOD2):c.193G>T (p.Val65Phe)

Gene: NOD2 (nucleotide binding oligomerization domain containing 2; plus strand). Cytogenetic location: 16q12.1.
Variant type: single nucleotide variant.
Coding change: c.193G>T on transcript NM_001370466.1 (MANE Select); coding-DNA position 193, G replaced by T.
Protein change: p.Val65Phe; replaces valine 65 with phenylalanine.
Molecular consequence: missense variant. On other transcripts: non-coding transcript variant (1).
Genome position (GRCh38, 1-based): chr16:50,699,688, G>T. VCF-style: chr16-50699688-G-T. GRCh37 (hg19) VCF-style: chr16-50733599-G-T.
Other names: c.274G>T, p.Val92Phe (NM_022162.3); c.193G>T, p.Val65Phe (NM_001293557.2); short protein forms V92F, V65F.
Identifiers: ClinVar variation 660017 (VCV000660017.13), dbSNP rs187264529, ClinGen allele CA8051238.
Genomic context (GRCh38, chr16:50,699,688, plus strand): 5'-GAGGGCTTCCACCTCCTGGGCCAGCCTCTCTCCCACTTGGCCAGGCGCCTTCTGGACACC[G>T]TCTGGAATAAGGGTACTTGGGCCTGTCAGAAGCTCATCGCGGCTGCCCAAGAAGCCCAGG-3'
Protein context (NP_001357395.1, residues 55-75): SHLARRLLDT[Val65Phe]WNKGTWACQK

ClinVar aggregate classification (germline): Uncertain significance. Review status: criteria provided, multiple submitters, no conflicts (2 of 4 stars). 2 submissions from 2 submitters: Uncertain significance (2). Last evaluated 2023-08-16.

Conditions:
Blau syndrome (BLAUS). Also called: GRANULOMATOSIS, FAMILIAL JUVENILE SYSTEMIC; GRANULOMATOSIS, FAMILIAL, BLAU TYPE; GRANULOMATOUS INFLAMMATORY ARTHRITIS, DERMATITIS, AND UVEITIS, FAMILIAL; JABS SYNDROME; ARTHROCUTANEOUVEAL GRANULOMATOSIS. Identifiers: Orphanet 90340, MedGen C5201146, MONDO:0008523, OMIM 186580.
Regional enteritis. Also called: Enteritis, Granulomatous. Identifiers: MedGen C0678202, MeSH D003424.

Allele frequency attached by ClinVar (database versions not stated): TOPMed 0.00002; ESP Exome Variant Server 0.00008.
gnomAD v4.1: 16 of 1,614,034 alleles (0.00099%); highest among the groups gnomAD compares: Non-Finnish European, 0.0013%; no homozygotes.

Submissions (2):

Labcorp Genetics (formerly Invitae), Labcorp
Classification: Uncertain significance for Regional enteritis; Blau syndrome. Last evaluated: 2023-08-16. Review status: criteria provided, single submitter. Criteria: Invitae Variant Classification Sherloc (09022015). Collection method: clinical testing. Allele origin: germline.
Comment: This variant is present in population databases (rs187264529, gnomAD 0.003%). This variant has not been reported in the literature in individuals affected with NOD2-related conditions. ClinVar contains an entry for this variant (Variation ID: 660017). Advanced modeling of protein sequence and biophysical properties (such as structural, functional, and spatial information, amino acid conservation, physicochemical variation, residue mobility, and thermodynamic stability) performed at Invitae indicates that this missense variant is not expected to disrupt NOD2 protein function. In summary, the available evidence is currently insufficient to determine the role of this variant in disease. Therefore, it has been classified as a Variant of Uncertain Significance. This sequence change replaces valine, which is neutral and non-polar, with phenylalanine, which is neutral and non-polar, at codon 92 of the NOD2 protein (p.Val92Phe).

ARUP Laboratories, Molecular Genetics and Genomics, ARUP Laboratories
Classification: Uncertain significance. Last evaluated: 2019-09-30. Review status: criteria provided, single submitter. Criteria: ARUP Molecular Germline Variant Investigation Process. Collection method: clinical testing. Allele origin: germline.
Comment: The NOD2 c.274G>T; p.Val92Phe variant (rs187264529), to our knowledge, is not reported in the medical literature or gene specific databases. This variant is reported in ClinVar (Variation ID: 66017), and is found in the general population with an overall allele frequency of 0.0012% (3/251212 alleles) in the Genome Aggregation Database. The valine at codon 92 is moderately conserved, and computational analyses (SIFT, PolyPhen-2) predict that this variant is deleterious. Due to limited information, the clinical significance of the p.Val92Phe variant is uncertain at this time.